The following is an entry in ClinVar:

ClinVar aggregate classification (germline): Pathogenic (1 of 4 stars; one submission).

Submission:

GeneDx
Classification: Pathogenic. Last evaluated: 2021-12-21. Review status: criteria provided, single submitter. Criteria: GeneDx Variant Classification Process June 2021. Collection method: clinical testing. Allele origin: germline. Affected: yes.
Comment: Frameshift variant predicted to result in protein truncation or nonsense mediated decay in a gene for which loss-of-function is a known mechanism of disease; Not observed at significant frequency in large population cohorts (Lek et al., 2016); Has not been previously published as pathogenic or benign to our knowledge

NM_001368894.2(PAX6):c.321del (p.Glu107fs)

Gene: PAX6 (paired box 6; minus strand). Cytogenetic location: 11p13.
Variant type: Deletion.
Coding change: c.321del on transcript NM_001368894.2 (MANE Select); coding-DNA position 321, one base deleted (G; older notation c.321delG).
Protein change: p.Glu107fs; shifts the reading frame from glutamic acid 107.
Molecular consequence: frameshift variant. On other transcripts: 5 prime UTR variant (14), non-coding transcript variant (2), intron variant (8).
Genome position (GRCh38, 1-based): chr11:31,801,639, C deleted on the plus strand (G on the coding strand, the reverse complement: PAX6 is on the minus strand). VCF-style (leftmost placement, unchanged base first): chr11-31801638-AC-A. GRCh37 (hg19) VCF-style: chr11-31823186-AC-A.
Other names: c.279delG (NM_000280.3); c.279del, p.Glu93fs (NM_000280.6, NM_001127612.3, NM_001258464.2 and 10 more transcripts); c.321del, p.Glu107fs (NM_001258462.3, NM_001258463.2, NM_001310158.2 and 6 more transcripts); c.-461del (NM_001310160.2, NM_001368902.2, NM_001368905.2); c.-130del (NM_001310161.3, NM_001368899.2, NM_001368900.2 and 8 more transcripts); c.522del, p.Glu174fs (NM_001368910.2); c.324del, p.Glu108fs (NM_001368911.2); c.396del, p.Glu132fs (NM_001368918.2, NM_001368919.2); and 3 more; short protein forms E107fs, E108fs, E118fs, E132fs, E174fs, E93fs.
Identifiers: ClinVar variation 503906 (VCV000503906.4), dbSNP rs1554985335, ClinGen allele CA658797611.